The following is an entry in ClinVar:

NM_130466.4(UBE3B):c.2011G>A (p.Val671Met)

Gene: UBE3B (ubiquitin protein ligase E3B; plus strand). Cytogenetic location: 12q24.11.
Variant type: single nucleotide variant.
Coding change: c.2011G>A on transcript NM_130466.4 (MANE Select); coding-DNA position 2011, G replaced by A.
Protein change: p.Val671Met; replaces valine 671 with methionine.
Molecular consequence: missense variant.
Genome position (GRCh38, 1-based): chr12:109,516,819, G>A. VCF-style: chr12-109516819-G-A. GRCh37 (hg19) VCF-style: chr12-109954624-G-A.
Other names: c.2011G>A, p.Val671Met (NM_183415.3); short protein forms V671M.
Identifiers: ClinVar variation 2124955 (VCV002124955.4), dbSNP rs2548543974, ClinGen allele CA386640410.

ClinVar aggregate classification (germline): Uncertain significance (1 of 4 stars; one submission).

Submission:

Labcorp Genetics (formerly Invitae), Labcorp
Classification: Uncertain significance. Last evaluated: 2022-05-06. Review status: criteria provided, single submitter. Criteria: Invitae Variant Classification Sherloc (09022015). Collection method: clinical testing. Allele origin: germline.
Comment: This sequence change replaces valine, which is neutral and non-polar, with methionine, which is neutral and non-polar, at codon 671 of the UBE3B protein (p.Val671Met). Algorithms developed to predict the effect of missense changes on protein structure and function (SIFT, PolyPhen-2, Align-GVGD) all suggest that this variant is likely to be tolerated. This variant has not been reported in the literature in individuals affected with UBE3B-related conditions. This variant is not present in population databases (gnomAD no frequency). In summary, the available evidence is currently insufficient to determine the role of this variant in disease. Therefore, it has been classified as a Variant of Uncertain Significance.